The following is an entry in ClinVar:

NM_000334.4(SCN4A):c.4477A>G (p.Met1493Val)

Genes: GH-LCR (growth hormone locus control region; plus strand), SCN4A (sodium voltage-gated channel alpha subunit 4; minus strand). Cytogenetic location: 17q23.3.
Variant type: single nucleotide variant.
Coding change: c.4477A>G on transcript NM_000334.4 (MANE Select); coding-DNA position 4477, A replaced by G.
Protein change: p.Met1493Val; replaces methionine 1493 with valine.
Molecular consequence: missense variant.
Genome position (GRCh38, 1-based): chr17:63,941,805, T>C on the plus strand (A>G on the coding strand, the complement: SCN4A is on the minus strand). VCF-style: chr17-63941805-T-C. GRCh37 (hg19) VCF-style: chr17-62019165-T-C.
Other names: short protein forms M1493V.
Identifiers: ClinVar variation 649218 (VCV000649218.12), dbSNP rs1280474636, ClinGen allele CA400615945.

ClinVar aggregate classification (germline): Uncertain significance. Review status: criteria provided, multiple submitters, no conflicts (2 of 4 stars). 2 submissions from 2 submitters: Uncertain significance (2). Last evaluated 2025-08-08.

Conditions:
Hyperkalemic periodic paralysis. Also called: Familial hyperkalemic periodic paralysis; Gamstorp disease. Identifiers: Orphanet 682, MedGen C0238357, MONDO:0008224, OMIM 170500, HP:0007215.

Allele frequency attached by ClinVar (database versions not stated): TOPMed 0.00001.

Submissions (2):

Revvity Omics, Revvity
Classification: Uncertain significance. Last evaluated: 2025-08-08. Review status: criteria provided, single submitter. Criteria: ACMG Guidelines, 2015. Collection method: clinical testing. Allele origin: germline.

Labcorp Genetics (formerly Invitae), Labcorp
Classification: Uncertain significance for Hyperkalemic periodic paralysis. Last evaluated: 2025-04-09. Review status: criteria provided, single submitter. Criteria: Invitae Variant Classification Sherloc (09022015). Collection method: clinical testing. Allele origin: germline.
Comment: This sequence change replaces methionine, which is neutral and non-polar, with valine, which is neutral and non-polar, at codon 1493 of the SCN4A protein (p.Met1493Val). This variant is not present in population databases (gnomAD no frequency). This missense change has been observed in individual(s) with sudden infant death syndrome (SIDS) (PMID: 29605429). ClinVar contains an entry for this variant (Variation ID: 649218). Invitae Evidence Modeling of protein sequence and biophysical properties (such as structural, functional, and spatial information, amino acid conservation, physicochemical variation, residue mobility, and thermodynamic stability) has been performed for this missense variant. However, the output from this modeling did not meet the statistical confidence thresholds required to predict the impact of this variant on SCN4A protein function. Experimental studies have shown that this missense change does not substantially affect SCN4A function (PMID: 29605429). In summary, the available evidence is currently insufficient to determine the role of this variant in disease. Therefore, it has been classified as a Variant of Uncertain Significance.

Literature cited by the submitters: PubMed 29605429 (cited by Labcorp Genetics (formerly Invitae), Labcorp).